The following is an entry in ClinVar:

ClinVar aggregate classification (germline): Conflicting classifications of pathogenicity. Review status: criteria provided, conflicting classifications (1 of 4 stars). 3 submissions from 3 submitters: Uncertain significance (2); Likely benign (1). Last evaluated 2026-01-12.

Conditions:
Hereditary cancer-predisposing syndrome. Also called: Tumor predisposition; Neoplastic Syndromes, Hereditary; Hereditary neoplastic syndrome; Hereditary Cancer Syndrome. Identifiers: Orphanet 140162, MedGen C0027672, MeSH D009386, MONDO:0015356.
Gorlin syndrome. Also called: Nevoid Basal Cell Carcinoma Syndrome; Basal cell nevus syndrome. Identifiers: Orphanet 377, MedGen C0004779, MONDO:0007187.

Allele frequency attached by ClinVar (database versions not stated): ExAC 0.00001; gnomAD exomes 0.00001.
gnomAD v4.1: 13 of 1,590,572 alleles (0.00082%); highest among the groups gnomAD compares: Non-Finnish European, 0.001%; no homozygotes.

Submissions (3):

Labcorp Genetics (formerly Invitae), Labcorp
Classification: Likely benign for Gorlin syndrome. Last evaluated: 2026-01-12. Review status: criteria provided, single submitter. Criteria: Invitae Variant Classification Sherloc (09022015). Collection method: clinical testing. Allele origin: germline.

Center for Genomic Medicine, Rigshospitalet, Copenhagen University Hospital
Classification: Uncertain significance. Last evaluated: 2025-12-29. Review status: criteria provided, single submitter. Criteria: ACMG Guidelines, 2015. Collection method: clinical testing. Allele origin: germline.

Ambry Genetics
Classification: Uncertain significance for Hereditary cancer-predisposing syndrome. Last evaluated: 2025-03-25. Review status: criteria provided, single submitter. Criteria: Ambry Variant Classification Scheme 2023. Collection method: clinical testing. Allele origin: germline.
Comment: The p.E1273A variant (also known as c.3818A>C), located in coding exon 23 of the PTCH1 gene, results from an A to C substitution at nucleotide position 3818. The glutamic acid at codon 1273 is replaced by alanine, an amino acid with dissimilar properties. This amino acid position is conserved. In addition, this alteration is predicted to be tolerated by in silico analysis. Based on the available evidence, the clinical significance of this variant remains unclear.

NM_000264.5(PTCH1):c.3818A>C (p.Glu1273Ala)

Gene: PTCH1 (patched 1; minus strand). Cytogenetic location: 9q22.32.
Variant type: single nucleotide variant.
Coding change: c.3818A>C on transcript NM_000264.5 (MANE Select); coding-DNA position 3818, A replaced by C.
Protein change: p.Glu1273Ala; replaces glutamic acid 1273 with alanine.
Molecular consequence: missense variant. On other transcripts: non-coding transcript variant (1).
Genome position (GRCh38, 1-based): chr9:95,447,438, T>G on the plus strand (A>C on the coding strand, the complement: PTCH1 is on the minus strand). VCF-style: chr9-95447438-T-G. GRCh37 (hg19) VCF-style: chr9-98209720-T-G.
Other names: c.3620A>C, p.Glu1207Ala (NM_001083602.3); c.3815A>C, p.Glu1272Ala (NM_001083603.3); c.3365A>C, p.Glu1122Ala (NM_001083604.3, NM_001083605.3, NM_001083606.3 and 1 more transcripts); c.3662A>C, p.Glu1221Ala (NM_001354918.2); short protein forms E1221A, E1273A, E1122A, E1207A, E1272A.
Identifiers: ClinVar variation 1908065 (VCV001908065.7), dbSNP rs781188583, ClinGen allele CA5138029.
Genomic context (GRCh38, chr9:95,447,438, plus strand): 5'-AGGGACCCTGAGTCCAGGTGGGGCTGCTGTCTCGGGTTCGAGGGTGGGTGATGCCTGGAT[T>G]CGGGATGGACCACCTGCAGAGGGTGAGGGTGGGTTAGAAGGGTGGTATCCCAGGCTGGGC-3'
Protein context (NP_000255.2, residues 1263-1283): VFAHSTVVHP[Glu1273Ala]SRHHPPSNPR